The following is an entry in ClinVar:

NM_006254.4(PRKCD):c.1816A>G (p.Ile606Val)

Gene: PRKCD (protein kinase C delta; plus strand). Cytogenetic location: 3p21.1.
Variant type: single nucleotide variant.
Coding change: c.1816A>G on transcript NM_006254.4 (MANE Select); coding-DNA position 1816, A replaced by G.
Protein change: p.Ile606Val; replaces isoleucine 606 with valine.
Molecular consequence: missense variant.
Genome position (GRCh38, 1-based): chr3:53,189,945, A>G. VCF-style: chr3-53189945-A-G. GRCh37 (hg19) VCF-style: chr3-53223961-A-G.
Other names: c.1816A>G, p.Ile606Val (NM_212539.2, NM_001316327.2, NM_001354679.2 and 1 more transcripts); c.1873A>G, p.Ile625Val (NM_001354676.2); c.1864A>G, p.Ile622Val (NM_001354678.2); short protein forms I606V, I625V, I622V.
Identifiers: ClinVar variation 3668254 (VCV003668254.2).
Genomic context (GRCh38, chr3:53,189,945, plus strand): 5'-GAACCAACCAAGAGGCTGGGAGTGACCGGAAACATCAAAATCCACCCCTTCTTCAAGACC[A>G]TAAACTGGACTCTGCTGGAAAAGCGGAGGTTGGAGCCACCTTTCAGGCCCAAAGTGGTAT-3'
Protein context (NP_006245.2, residues 596-616): NIKIHPFFKT[Ile606Val]NWTLLEKRRL

ClinVar aggregate classification (germline): Uncertain significance (1 of 4 stars; one submission).

Conditions:
Autoimmune lymphoproliferative syndrome, type III caused by mutation in PRKCD. Identifiers: Orphanet 3261, Orphanet 664711, MedGen C3809928, MONDO:8000024, OMIM 615559.

gnomAD v4.1: 1 of 1,614,202 alleles (0.000062%); highest among the groups gnomAD compares: South Asian, 0.0011%; no homozygotes.

Submission:

Labcorp Genetics (formerly Invitae), Labcorp
Classification: Uncertain significance for Autoimmune lymphoproliferative syndrome, type III caused by mutation in PRKCD. Last evaluated: 2024-04-02. Review status: criteria provided, single submitter. Criteria: Invitae Variant Classification Sherloc (09022015). Collection method: clinical testing. Allele origin: germline.
Comment: This sequence change replaces isoleucine, which is neutral and non-polar, with valine, which is neutral and non-polar, at codon 606 of the PRKCD protein (p.Ile606Val). This variant is present in population databases (rs782747089, gnomAD 0.003%). This variant has not been reported in the literature in individuals affected with PRKCD-related conditions. An algorithm developed to predict the effect of missense changes on protein structure and function (PolyPhen-2) suggests that this variant is likely to be tolerated. In summary, the available evidence is currently insufficient to determine the role of this variant in disease. Therefore, it has been classified as a Variant of Uncertain Significance.